The following is an entry in ClinVar:

ClinVar aggregate classification (germline): Uncertain significance (1 of 4 stars; one submission).

Submission:

GeneDx
Classification: Uncertain significance. Last evaluated: 2020-01-31. Review status: criteria provided, single submitter. Criteria: GeneDx Variant Classification Process June 2021. Collection method: clinical testing. Allele origin: germline. Affected: yes.
Comment: Not observed in large population cohorts (Lek et al., 2016); In silico analysis supports that this missense variant has a deleterious effect on protein structure/function; Has not been previously published as pathogenic or benign to our knowledge

NM_205768.3(ZBTB18):c.1412G>T (p.Arg471Leu)

Gene: ZBTB18 (zinc finger and BTB domain containing 18; plus strand). Cytogenetic location: 1q44.
Variant type: single nucleotide variant.
Coding change: c.1412G>T on transcript NM_205768.3 (MANE Select); coding-DNA position 1412, G replaced by T.
Protein change: p.Arg471Leu; replaces arginine 471 with leucine.
Molecular consequence: missense variant.
Genome position (GRCh38, 1-based): chr1:244,055,186, G>T. VCF-style: chr1-244055186-G-T. GRCh37 (hg19) VCF-style: chr1-244218488-G-T.
Other names: c.1385G>T, p.Arg462Leu (NM_001278196.2, NM_006352.5); short protein forms R462L, R471L.
Identifiers: ClinVar variation 1315091 (VCV001315091.2), dbSNP rs1698438755, ClinGen allele CA345675071.
Genomic context (GRCh38, chr1:244,055,186, plus strand): 5'-AGTGCGGCAAGAGCTTCCAGTACTCGCACAACCTGAGCCGCCATGCCGTGGTGCACACCC[G>T]CGAGAAGCCGCACGCCTGCAAGTGGTGCGAGCGCAGGTTCACGCAGTCCGGGGACCTGTA-3'
Protein context (NP_991331.1, residues 461-481): NLSRHAVVHT[Arg471Leu]EKPHACKWCE